The following is an entry in ClinVar:

NM_001267550.2(TTN):c.13127dup (p.Asp4376fs)

Gene: TTN (titin; minus strand). Cytogenetic location: 2q31.2.
Variant type: Duplication.
Coding change: c.13127dup on transcript NM_001267550.2 (MANE Select); coding-DNA position 13127, one base duplicated (A; older notation c.13127dupA).
Protein change: p.Asp4376fs; shifts the reading frame from aspartic acid 4376.
Molecular consequence: frameshift variant. On other transcripts: intron variant (1).
Genome position (GRCh38, 1-based): chr2:178,740,106, T duplicated on the plus strand (A on the coding strand, the reverse complement: TTN is on the minus strand). VCF-style (leftmost placement, unchanged base first): chr2-178740105-G-GT. GRCh37 (hg19) VCF-style: chr2-179604832-G-GT.
Other names: c.12176dup, p.Asp4059fs (NM_001256850.1); c.12038dup, p.Asp4013fs (NM_003319.4); c.12413dup, p.Asp4138fs (NM_133432.3); c.12614dup, p.Asp4205fs (NM_133437.4); c.10361-1746dup (NM_133378.4); c.12038dupA (NM_003319.4); c.13127dup (NM_001267550.1); short protein forms D4013fs, D4059fs, D4138fs, D4205fs, D4376fs.
Identifiers: ClinVar variation 1026960 (VCV001026960.13), dbSNP rs2082227467, ClinGen allele CA1310601863.

ClinVar aggregate classification (germline): Conflicting classifications of pathogenicity. Review status: criteria provided, conflicting classifications (1 of 4 stars). 4 submissions from 4 submitters: Pathogenic (1); Likely pathogenic (2); Uncertain significance (1). Last evaluated 2026-08-05.

Conditions:
Hypertrophic cardiomyopathy 9. Also called: Familial hypertrophic cardiomyopathy 9. Identifiers: MedGen C1861065, MONDO:0013412, OMIM 613765.
Autosomal recessive limb-girdle muscular dystrophy type 2J (LGMDR10). Also called: Limb-girdle muscular dystrophy, type 2J; MUSCULAR DYSTROPHY, LIMB-GIRDLE, AUTOSOMAL RECESSIVE 10. Identifiers: Orphanet 140922, MedGen C1837342, MONDO:0012127, OMIM 608807.
Tibial muscular dystrophy (TMD). Also called: UDD MYOPATHY; Tibial muscular dystrophy, tardive; Udd Distal Myopathy – Tibial Muscular Dystrophy. Identifiers: Orphanet 609, MedGen C1838244, MONDO:0010870, OMIM 600334.
Early-onset myopathy with fatal cardiomyopathy (CMYO5). Also called: Salih Myopathy; CONGENITAL MYOPATHY 5 WITH CARDIOMYOPATHY. Identifiers: Orphanet 289377, MedGen C2673677, MONDO:0012714, OMIM 611705. Disease mechanism: loss of function.
Myopathy, myofibrillar, 9, with early respiratory failure (MFM9). Also called: Hereditary myopathy with early respiratory failure; EDSTROM MYOPATHY; MYOPATHY, PROXIMAL, WITH EARLY RESPIRATORY MUSCLE INVOLVEMENT; Myopathy, distal, with early respiratory failure, autosomal dominant. Identifiers: Orphanet 178464, Orphanet 34521, MedGen C1863599, MONDO:0011362, OMIM 603689.
Dilated cardiomyopathy 1G (CMD1G). Identifiers: Orphanet 154, MedGen C1858763, MONDO:0011400, OMIM 604145.
Cardiovascular phenotype. Identifiers: MedGen CN230736.

Submissions (4):

GeneDx
Classification: Likely pathogenic. Last evaluated: 2026-08-05. Review status: criteria provided, single submitter. Criteria: GeneDx Variant Classification Process June 2021. Collection method: clinical testing. Allele origin: germline.
Comment: Located in a specific region of the I-band within TTN for which truncating variants are significantly associated with autosomal dominant cardiomyopathy and also with autosomal recessive skeletal myopathies (PMID: 27625338, 27869827, 32778822); Not observed at significant frequency in large population cohorts (gnomAD); Has not been previously published as pathogenic or benign to our knowledge; This variant is associated with the following publications: (PMID: 27625338, 27869827, 32778822)

Labcorp Genetics (formerly Invitae), Labcorp
Classification: Likely pathogenic for Dilated cardiomyopathy 1G; Autosomal recessive limb-girdle muscular dystrophy type 2J. Last evaluated: 2025-11-03. Review status: criteria provided, single submitter. Criteria: Invitae Variant Classification Sherloc (09022015). Collection method: clinical testing. Allele origin: germline.
Comment: This sequence change creates a premature translational stop signal (p.Asp4376Glufs*5) in the TTN gene. While this is not anticipated to result in nonsense mediated decay, it is expected to create a truncated TTN protein. This variant is not present in population databases (gnomAD no frequency). This variant has not been reported in the literature in individuals affected with TTN-related conditions. ClinVar contains an entry for this variant (Variation ID: 1026960). This variant is located in the I band of TTN (PMID: 25589632). Truncating variants in this region have been reported in individuals affected with autosomal recessive centronuclear myopathy (PMID: 23975875, internal data). Truncating variants in this region have also been identified in individuals affected with autosomal dominant dilated cardiomyopathy and/or cardio-related conditions (PMID: 27869827, 32964742, internal data). In summary, the currently available evidence indicates that the variant is pathogenic, but additional data are needed to prove that conclusively. Therefore, this variant has been classified as Likely Pathogenic.

Ambry Genetics
Classification: Pathogenic for Cardiovascular phenotype. Last evaluated: 2025-05-08. Review status: criteria provided, single submitter. Criteria: Ambry Variant Classification Scheme 2023. Collection method: clinical testing. Allele origin: germline.
Comment: The c.12038dupA pathogenic mutation, located in coding exon 44 of the TTN gene, results from a duplication of A at nucleotide position 12038, causing a translational frameshift with a predicted alternate stop codon (p.D4013Efs*5). This exon is located in the I-band region of the N2-B isoform of the titin protein and is constitutively expressed in TTN transcripts (percent spliced in or PSI 100%). This alteration has been observed in at least one individual with a personal and/or family history that is consistent with TTN-related disease (Ambry internal data). This alteration is expected to result in loss of function by premature protein truncation or nonsense-mediated mRNA decay. While truncating variants in TTN are present in 1-3% of the general population, truncating variants in the A-band are the most common cause of dilated cardiomyopathy (DCM) (Herman DS et al. N. Engl. J. Med., 2012 Feb;366:619-28; Roberts AM et al. Sci Transl Med, 2015 Jan;7:270ra6). TTN truncating variants encoded in constitutive exons (PSI >90%) have been found to be significantly associated with DCM regardless of their position in titin (Schafer S et al. Nat. Genet., 2017 01;49:46-53). This variant is considered to be rare based on population cohorts in the Genome Aggregation Database (gnomAD). Based on the supporting evidence, this alteration is interpreted as a disease-causing mutation.

Fulgent Genetics
Classification: Uncertain significance for Tibial muscular dystrophy; Myopathy, myofibrillar, 9, with early respiratory failure; Dilated cardiomyopathy 1G; Autosomal recessive limb-girdle muscular dystrophy type 2J; Early-onset myopathy with fatal cardiomyopathy; Hypertrophic cardiomyopathy 9. Last evaluated: 2021-07-28. Review status: criteria provided, single submitter. Criteria: ACMG Guidelines, 2015. Collection method: clinical testing. Allele origin: unknown.

Literature cited by the submitters: PubMed 25589632 (cited by Labcorp Genetics (formerly Invitae), Labcorp); PubMed 23975875 (cited by Labcorp Genetics (formerly Invitae), Labcorp); PubMed 27869827 (cited by Labcorp Genetics (formerly Invitae), Labcorp); PubMed 32964742 (cited by Labcorp Genetics (formerly Invitae), Labcorp).